The following is an entry in ClinVar:

ClinVar aggregate classification (germline): Pathogenic. Review status: criteria provided, multiple submitters, no conflicts (2 of 4 stars). 2 submissions from 2 submitters: Pathogenic (2). Last evaluated 2022-01-25.

Conditions:
Polycystic kidney disease, adult type (PKD1). Also called: Polycystic Kidney Disease 1, Autosomal Dominant; Polycystic kidney disease 1; Polycystic kidney disease 1, severe; Polycystic Kidney, Autosomal Dominant; POLYCYSTIC KIDNEY DISEASE 1 WITH OR WITHOUT POLYCYSTIC LIVER DISEASE; POLYCYSTIC KIDNEY DISEASE, ADULT, TYPE I. Identifiers: MedGen C3149841, MONDO:0008263, OMIM 173900.

Submissions (2):

Department of Pathology and Laboratory Medicine, Sinai Health System
Classification: Pathogenic for Polycystic kidney disease, adult type. Last evaluated: 2022-01-25. Review status: criteria provided, single submitter. Criteria: ACMG Guidelines, 2015. Collection method: clinical testing. Allele origin: germline. Affected: yes.

Victorian Clinical Genetics Services, Murdoch Childrens Research Institute
Classification: Pathogenic for Polycystic kidney disease, adult type. Last evaluated: 2020-10-19. Review status: criteria provided, single submitter. Criteria: ACMG Guidelines, 2015. Collection method: clinical testing. Allele origin: germline. Inheritance: Autosomal dominant inheritance. Affected: yes.
Comment: Based on the classification scheme VCGS_Germline_v1.3.3, this variant is classified as Pathogenic. Following criteria are met: 0102 - Loss of function is a known mechanism of disease in this gene and is associated with polycystic kidney disease 1 (MIM#173900). (I) 0107 - This gene is associated with autosomal dominant disease. Polycystic kidney disease 1 (MIM#173900) is predominantly caused by monoallelic variants, with rare reports of biallelic variants causing disease (OMIM). (I) 0211 - Canonical splice site variant without proven consequence on splicing (no functional evidence available). (SP) 0251 - This variant is heterozygous. (I) 0301 - Variant is absent from gnomAD (both v2 and v3). (SP) 0505 - Abnormal splicing is predicted by in silico tools and affected nucleotide is highly conserved. (SP) 0702 - Other canonical splice site variants comparable to the one identified in this case have strong previous evidence for pathogenicity. Different variants in this canonical splice site have been reported in multiple families or individuals with autosomal dominant polycystic kidney disease (ClinVar, PMID:26139440, 22508176, 30333007, 23300259). (SP) 0807 - This variant has no previous evidence of pathogenicity. (I) 0905 - No published segregation evidence has been identified for this variant. (I) 1007 - No published functional evidence has been identified for this variant. (I) 1208 - Inheritance information for this variant is not currently available in this individual. (I) Legend: (SP) - Supporting pathogenic, (I) - Information, (SB) - Supporting benign

Literature cited by the submitters: PubMed 22508176 (cited by Victorian Clinical Genetics Services, Murdoch Childrens Research Institute); PubMed 23300259 (cited by Victorian Clinical Genetics Services, Murdoch Childrens Research Institute); PubMed 26139440 (cited by Victorian Clinical Genetics Services, Murdoch Childrens Research Institute); PubMed 30333007 (cited by Victorian Clinical Genetics Services, Murdoch Childrens Research Institute).

NM_001009944.3(PKD1):c.11538-2A>C

Genes: PKD1 (polycystin 1, transient receptor potential channel interacting; minus strand), PKD1-AS1 (PKD1 antisense RNA 1; plus strand). Cytogenetic location: 16p13.3.
Variant type: single nucleotide variant.
Coding change: c.11538-2A>C on transcript NM_001009944.3 (MANE Select); the canonical splice acceptor site of the intron before coding-DNA position 11538, A replaced by C.
Molecular consequence: splice acceptor variant. On other transcripts: non-coding transcript variant (1).
Genome position (GRCh38, 1-based): chr16:2,091,599, T>G on the plus strand (A>C on the coding strand, the complement: PKD1 is on the minus strand). VCF-style: chr16-2091599-T-G. GRCh37 (hg19) VCF-style: chr16-2141600-T-G.
Other names: c.11535-2A>C (NM_000296.4).
Identifiers: ClinVar variation 1806154 (VCV001806154.2), dbSNP rs2544615836, ClinGen allele CA394332206.
Genomic context (GRCh38, chr16:2,091,599, plus strand): 5'-CGGCGTGCAGCCCCACGGCCGGGCTGTAGCGCGTGAGCTCCAGGAACACAGCGCGGCTCC[T>G]GCGCAGAGGGTGCGGGTCAGTAGGAGCGGGTGGCAGGGCGGGAGCTGCGGGGACCGCGCA-3'